The following is an entry in ClinVar:

NM_016373.4(WWOX):c.419C>A (p.Thr140Asn)

Gene: WWOX (WW domain containing oxidoreductase; plus strand). Cytogenetic location: 16q23.1.
Variant type: single nucleotide variant.
Coding change: c.419C>A on transcript NM_016373.4 (MANE Select); coding-DNA position 419, C replaced by A.
Protein change: p.Thr140Asn; replaces threonine 140 with asparagine.
Molecular consequence: missense variant. On other transcripts: non-coding transcript variant (1).
Genome position (GRCh38, 1-based): chr16:78,164,192, C>A. VCF-style: chr16-78164192-C-A. GRCh37 (hg19) VCF-style: chr16-78198089-C-A.
Other names: c.80C>A, p.Thr27Asn (NM_001291997.2); c.419C>A, p.Thr140Asn (NM_130791.5); short protein forms T140N, T27N.
Identifiers: ClinVar variation 1014537 (VCV001014537.9), dbSNP rs750464034, ClinGen allele CA284506164.
Genomic context (GRCh38, chr16:78,164,192, plus strand): 5'-TCACTGTGTTGATGTTATGTTTTCTAACATTGACTTTCCTTTAAACCATAGGGTTCGAAA[C>A]CGCCAAGTCTTTTGCCCTCCATGGTGCACATGTGATCTTGGCCTGCAGGAACATGGCAAG-3'
Protein context (NP_057457.1, residues 130-150): TGANSGIGFE[Thr140Asn]AKSFALHGAH

ClinVar aggregate classification (germline): Uncertain significance (1 of 4 stars; one submission).

Conditions:
Autosomal recessive spinocerebellar ataxia 12. Also called: SPINOCEREBELLAR ATAXIA WITH MENTAL RETARDATION AND EPILEPSY. Identifiers: Orphanet 284282, MedGen C3280452, MONDO:0013687, OMIM 614322.
Developmental and epileptic encephalopathy, 1 (DEE1). Also called: X-linked infantile spasms; West's syndrome; Tonic spasms with clustering, arrest of psychomotor development and hypsarrhythmia on EEG; X-Linked Infantile Spasm Syndrome; OHTAHARA SYNDROME, X-LINKED; INFANTILE SPASM SYNDROME, X-LINKED 1. Identifiers: MedGen C3463992, MONDO:0010632, OMIM 308350. Disease mechanism: loss of function.

Allele frequency attached by ClinVar (database versions not stated): TOPMed 0.00002; gnomAD 0.00002.
gnomAD v4.1: 9 of 1,613,898 alleles (0.00056%); highest among the groups gnomAD compares: African/African-American, 0.012%; no homozygotes.

Submission:

Labcorp Genetics (formerly Invitae), Labcorp
Classification: Uncertain significance for Developmental and epileptic encephalopathy, 1; Autosomal recessive spinocerebellar ataxia 12. Last evaluated: 2022-07-06. Review status: criteria provided, single submitter. Criteria: Invitae Variant Classification Sherloc (09022015). Collection method: clinical testing. Allele origin: germline.
Comment: This sequence change replaces threonine, which is neutral and polar, with asparagine, which is neutral and polar, at codon 140 of the WWOX protein (p.Thr140Asn). This variant is present in population databases (no rsID available, gnomAD 0.007%). This variant has not been reported in the literature in individuals affected with WWOX-related conditions. ClinVar contains an entry for this variant (Variation ID: 1014537). Algorithms developed to predict the effect of missense changes on protein structure and function are either unavailable or do not agree on the potential impact of this missense change (SIFT: "Not Available"; PolyPhen-2: "Probably Damaging"; Align-GVGD: "Not Available"). In summary, the available evidence is currently insufficient to determine the role of this variant in disease. Therefore, it has been classified as a Variant of Uncertain Significance.